The following is an entry in ClinVar:

NM_006618.5(KDM5B):c.576+233G>A

Gene: KDM5B (lysine demethylase 5B; minus strand). Cytogenetic location: 1q32.1.
Variant type: single nucleotide variant.
Coding change: c.576+233G>A on transcript NM_006618.5 (MANE Select); 233 bases into the intron after coding-DNA position 576, G replaced by A.
Molecular consequence: intron variant.
Genome position (GRCh38, 1-based): chr1:202,772,885, C>T on the plus strand (G>A on the coding strand, the complement: KDM5B is on the minus strand). VCF-style: chr1-202772885-C-T. GRCh37 (hg19) VCF-style: chr1-202742013-C-T.
Other names: c.561+233G>A (NM_001399817.1); c.576+233G>A (NM_001347591.2, NM_001314042.2).
Identifiers: ClinVar variation 1675401 (VCV001675401.34), dbSNP rs182396247, ClinGen allele CA35555891.
Genomic context (GRCh38, chr1:202,772,885, plus strand): 5'-TAGCTGGGATTACAGGCACACGCCACCATGCCCAGCAAATTTTTGTATTTTTAGTAGAGA[C>T]GAGGTTTCGCCATGTTGGCCAGGCTGGTCTCAAACTCCTGTCCTCAGGTGATTCACCTGC-3'

ClinVar aggregate classification (germline): Likely benign (1 of 4 stars; one submission).

Allele frequency attached by ClinVar (database versions not stated): gnomAD 0.00478 and 0.00474; 1000 Genomes Project 0.00280; 1000 Genomes Project 30x 0.00297; TOPMed 0.00312.
gnomAD v4.1: 710 of 152,132 alleles (0.47%); highest among the groups gnomAD compares: Non-Finnish European, 0.61%; 4 homozygotes.

Submission:

CeGaT Center for Human Genetics Tuebingen
Classification: Likely benign. Last evaluated: 2026-07-01. Review status: criteria provided, single submitter. Criteria: CeGaT Center For Human Genetics Tuebingen Variant Classification Criteria Version 2. Collection method: clinical testing. Allele origin: germline. Affected: yes. Observed: 23 variant alleles.
Comment: KDM5B: BS1